The following is an entry in ClinVar:

NM_000069.3(CACNA1S):c.2063+4A>T

Gene: CACNA1S (calcium voltage-gated channel subunit alpha1 S; minus strand). Cytogenetic location: 1q32.1.
Variant type: single nucleotide variant.
Coding change: c.2063+4A>T on transcript NM_000069.3 (MANE Select); 4 bases into the intron after coding-DNA position 2063, A replaced by T.
Molecular consequence: intron variant.
Genome position (GRCh38, 1-based): chr1:201,074,502, T>A on the plus strand (A>T on the coding strand, the complement: CACNA1S is on the minus strand). VCF-style: chr1-201074502-T-A. GRCh37 (hg19) VCF-style: chr1-201043630-T-A.
Identifiers: ClinVar variation 2931090 (VCV002931090.1), dbSNP rs753213243, ClinGen allele CA078778.

ClinVar aggregate classification (germline): Uncertain significance (1 of 4 stars; one submission).

Conditions:
Malignant hyperthermia, susceptibility to, 5 (MHS5). Also called: CACNA1S-Related Malignant Hyperthermia Susceptibility. Identifiers: Orphanet 423, MedGen C1866077, MONDO:0011163, OMIM 601887.
Hypokalemic periodic paralysis, type 1. Also called: Hypokalemic Periodic Paralysis Type 1 (AD); HypoPP. Identifiers: Orphanet 681, MedGen C3714580, MONDO:0042979, OMIM 170400.

gnomAD v4.1: 73 of 1,592,138 alleles (0.0046%); highest among the groups gnomAD compares: South Asian, 0.079%; 2 homozygotes.

Submission:

Labcorp Genetics (formerly Invitae), Labcorp
Classification: Uncertain significance for Hypokalemic periodic paralysis, type 1; Malignant hyperthermia, susceptibility to, 5. Last evaluated: 2023-08-01. Review status: criteria provided, single submitter. Criteria: Invitae Variant Classification Sherloc (09022015). Collection method: clinical testing. Allele origin: germline.
Comment: In summary, the available evidence is currently insufficient to determine the role of this variant in disease. Therefore, it has been classified as a Variant of Uncertain Significance. Variants that disrupt the consensus splice site are a relatively common cause of aberrant splicing (PMID: 17576681, 9536098). Algorithms developed to predict the effect of sequence changes on RNA splicing suggest that this variant may disrupt the consensus splice site. This variant has not been reported in the literature in individuals affected with CACNA1S-related conditions. This variant is present in population databases (rs753213243, gnomAD 0.05%). This sequence change falls in intron 14 of the CACNA1S gene. It does not directly change the encoded amino acid sequence of the CACNA1S protein. It affects a nucleotide within the consensus splice site.

Literature cited by the submitters: PubMed 17576681; PubMed 9536098.